The following is an entry in ClinVar:

NM_005633.4(SOS1):c.346G>A (p.Glu116Lys)

Gene: SOS1 (SOS Ras/Rac guanine nucleotide exchange factor 1; minus strand). Cytogenetic location: 2p22.1.
Variant type: single nucleotide variant.
Coding change: c.346G>A on transcript NM_005633.4 (MANE Select); coding-DNA position 346, G replaced by A.
Protein change: p.Glu116Lys; replaces glutamic acid 116 with lysine.
Molecular consequence: missense variant.
Genome position (GRCh38, 1-based): chr2:39,056,866, C>T on the plus strand (G>A on the coding strand, the complement: SOS1 is on the minus strand). VCF-style: chr2-39056866-C-T. GRCh37 (hg19) VCF-style: chr2-39284007-C-T.
Other names: c.325G>A, p.Glu109Lys (NM_001382394.1); c.346G>A, p.Glu116Lys (NM_001382395.1); short protein forms E116K, E109K.
Identifiers: ClinVar variation 3338701 (VCV003338701.1), dbSNP rs747505741.

ClinVar aggregate classification (germline): Uncertain significance (1 of 4 stars; one submission).

Submission:

GeneDx
Classification: Uncertain significance. Last evaluated: 2024-02-22. Review status: criteria provided, single submitter. Criteria: GeneDx Variant Classification Process June 2021. Collection method: clinical testing. Allele origin: germline. Affected: yes.
Comment: Not observed at significant frequency in large population cohorts (gnomAD); Missense variants in this gene are a common cause of disease and they are underrepresented in the general population; In silico analysis supports that this missense variant has a deleterious effect on protein structure/function; Has not been previously published as pathogenic or benign to our knowledge; This variant is associated with the following publications: (PMID: 29493581)